The following is an entry in ClinVar:

NM_025137.4(SPG11):c.6898_6899del (p.Leu2300fs)

Gene: SPG11 (SPG11 vesicle trafficking associated, spatacsin; minus strand). Cytogenetic location: 15q21.1.
Variant type: Microsatellite.
Coding change: c.6898_6899del on transcript NM_025137.4 (MANE Select); coding-DNA positions 6898 to 6899, 2 bases deleted (CT; older notation c.6898_6899delCT).
Protein change: p.Leu2300fs; shifts the reading frame from leucine 2300.
Molecular consequence: frameshift variant.
Genome position (GRCh38, 1-based): chr15:44,565,954-44,565,955, AG deleted on the plus strand (CT on the coding strand, the reverse complement: SPG11 is on the minus strand); deleting any 2 consecutive bases within chr15:44,565,954-44,565,957 gives the same sequence; the c. name uses the placement nearest the transcript's 3' end. VCF-style (leftmost placement, unchanged base first): chr15-44565953-CAG-C. GRCh37 (hg19) VCF-style: chr15-44858151-CAG-C.
Other names: c.6559_6560del, p.Leu2187fs (NM_001160227.2); c.6898_6899del (NM_025137.3); short protein forms L2300fs, L2187fs.
Identifiers: ClinVar variation 41354 (VCV000041354.59), dbSNP rs312262786, ClinGen allele CA344386.

ClinVar aggregate classification (germline): Conflicting classifications of pathogenicity. Review status: criteria provided, conflicting classifications (1 of 4 stars). 8 submissions from 8 submitters: Pathogenic (6); Uncertain significance (1). 1 of the submissions does not count toward it. Last evaluated 2026-04-08.

Conditions:
SPG11-related disorder. Also called: SPG11-related condition.
Hereditary spastic paraplegia 11. Also called: SPASTIC PARAPLEGIA, AUTOSOMAL RECESSIVE, COMPLICATED, WITH THIN CORPUS CALLOSUM; SPASTIC PARAPLEGIA, AUTOSOMAL RECESSIVE, WITH MENTAL IMPAIRMENT AND THIN CORPUS CALLOSUM; Spastic Paraplegia 11; Spastic paraplegia, mental retardation and thin corpus callosum; Nakamura Osame syndrome; Autosomal recessive hereditary spastic paraplegia, mental impairment, and thin corpus callosum. Identifiers: Orphanet 2822, MedGen C1858479, MONDO:0011445, OMIM 604360.

Submissions (8):

PreventionGenetics, part of Exact Sciences
Classification: Pathogenic for SPG11-related condition. Last evaluated: 2026-04-08. Review status: criteria provided, single submitter. Criteria: ACMG Guidelines, 2015. Collection method: clinical testing. Allele origin: germline.
Comment: The SPG11 c.6898_6899delCT variant is predicted to result in a frameshift and premature protein termination (p.Leu2300Alafs*39). This variant, also know as c.6559_6560del in an alternate transcript (NM_001160227), has been reported in the compound heterozygous and homozygous states in many individuals with autosomal recessive spastic paraplegia (Liao et al. 2008. PubMed ID: 18835492; Yoon et al. 2013. PubMed ID: 23733235; Monies et al. 2017. PubMed ID: 28600779; Travaglini et al. 2018. PubMed ID: 29691679) and shown to segregate with disease in one family (Figure 3, Liao et al. 2008. PubMed ID: 18835492). This variant is reported in 0.0004% of alleles (1 of 251,036 total) in gnomAD. Frameshift variants in SPG11 are expected to be pathogenic. This variant is interpreted as pathogenic.

GeneDx
Classification: Pathogenic. Last evaluated: 2026-02-09. Review status: criteria provided, single submitter. Criteria: GeneDx Variant Classification Process June 2021. Collection method: clinical testing. Allele origin: germline.
Comment: Frameshift variant predicted to result in protein truncation or nonsense mediated decay in a gene for which loss of function is a known mechanism of disease; Not observed at significant frequency in large population cohorts (gnomAD); This variant is associated with the following publications: (PMID: 20301389, 23733235, 28600779, 18835492, 27957547, 27820618, 29980238, 29691679, 36964972, 34983064)

Labcorp Genetics (formerly Invitae), Labcorp
Classification: Pathogenic for Hereditary spastic paraplegia 11. Last evaluated: 2025-10-01. Review status: criteria provided, single submitter. Criteria: Invitae Variant Classification Sherloc (09022015). Collection method: clinical testing. Allele origin: germline.
Comment: This sequence change creates a premature translational stop signal (p.Leu2300Alafs*39) in the SPG11 gene. It is expected to result in an absent or disrupted protein product. Loss-of-function variants in SPG11 are known to be pathogenic (PMID: 19105190, 20110243, 22154821, 26556829). This variant is present in population databases (rs312262786, gnomAD 0.0009%). This premature translational stop signal has been observed in individuals with hereditary spastic paraplegia (PMID: 18835492, 23733235, 27820618, 29691679). This variant is also known as c.6559_6560del (p.L2187fs). ClinVar contains an entry for this variant (Variation ID: 41354). For these reasons, this variant has been classified as Pathogenic.

Genomic Medicine Center of Excellence, King Faisal Specialist Hospital and Research Centre
Classification: Pathogenic for Hereditary spastic paraplegia 11. Last evaluated: 2025-09-10. Review status: criteria provided, single submitter. Criteria: ACMG Guidelines, 2015. Collection method: clinical testing. Allele origin: germline.

Institute for Clinical Genetics, University Hospital TU Dresden, University Hospital TU Dresden
Classification: Uncertain significance. Last evaluated: 2021-11-03. Review status: criteria provided, single submitter. Criteria: ACMG Guidelines, 2015. Collection method: clinical testing. Allele origin: germline.

CeGaT Center for Human Genetics Tuebingen
Classification: Pathogenic. Last evaluated: 2018-09-01. Review status: criteria provided, single submitter. Criteria: CeGaT Center For Human Genetics Tuebingen Variant Classification Criteria Version 2. Collection method: clinical testing. Allele origin: germline. Affected: yes. Observed: 5 variant alleles.

Paris Brain Institute, Inserm - ICM
Classification: Pathogenic for Hereditary spastic paraplegia 11. Review status: criteria provided, single submitter. Criteria: ACMG Guidelines, 2015. Collection method: clinical testing. Allele origin: unknown. Affected: yes. Observed: 2 variant alleles.

GeneReviews
No classification provided. Condition: Hereditary spastic paraplegia 11. Review status: no classification provided. Collection method: literature only. Allele origin: unknown. Not counted in ClinVar's aggregate classification.

Literature cited by the submitters: PubMed 19105190 (cited by Labcorp Genetics (formerly Invitae), Labcorp); PubMed 20110243 (cited by Labcorp Genetics (formerly Invitae), Labcorp); PubMed 22154821 (cited by Labcorp Genetics (formerly Invitae), Labcorp); PubMed 26556829 (cited by Labcorp Genetics (formerly Invitae), Labcorp); PubMed 18835492 (cited by Labcorp Genetics (formerly Invitae), Labcorp and GeneReviews); PubMed 23733235 (cited by Labcorp Genetics (formerly Invitae), Labcorp); PubMed 27820618 (cited by Labcorp Genetics (formerly Invitae), Labcorp); PubMed 29691679 (cited by Labcorp Genetics (formerly Invitae), Labcorp); PubMed 20301389 (cited by GeneReviews); NCBI Bookshelf NBK1210 (cited by GeneReviews).